The following is an entry in ClinVar:

ClinVar aggregate classification (germline): Likely benign (0 of 4 stars; one submission).

Conditions:
PIK3R5-related disorder. Also called: PIK3R5-related condition.

Allele frequency attached by ClinVar (database versions not stated): TOPMed 0.00005; ExAC 0.00007; gnomAD 0.00009; 1000 Genomes Project 30x 0.00031; 1000 Genomes Project 0.00040.
gnomAD v4.1: 96 of 1,612,340 alleles (0.006%); highest among the groups gnomAD compares: African/African-American, 0.012%; no homozygotes.

Submission:

PreventionGenetics, part of Exact Sciences
Classification: Likely benign for PIK3R5-related condition. Last evaluated: 2019-03-22. Review status: no assertion criteria provided. Collection method: clinical testing. Allele origin: germline.
Comment: This variant is classified as likely benign based on ACMG/AMP sequence variant interpretation guidelines (Richards et al. 2015 PMID: 25741868, with internal and published modifications).

NM_001142633.3(PIK3R5):c.895+10C>T

Gene: PIK3R5 (phosphoinositide-3-kinase regulatory subunit 5; minus strand). Cytogenetic location: 17p13.1.
Variant type: single nucleotide variant.
Coding change: c.895+10C>T on transcript NM_001142633.3 (MANE Select); 10 bases into the intron after coding-DNA position 895, C replaced by T.
Molecular consequence: intron variant.
Genome position (GRCh38, 1-based): chr17:8,889,129, G>A on the plus strand (C>T on the coding strand, the complement: PIK3R5 is on the minus strand). VCF-style: chr17-8889129-G-A. GRCh37 (hg19) VCF-style: chr17-8792446-G-A.
Other names: c.-264+10C>T (NM_001251852.2, NM_001388397.1, NM_001251855.2 and 4 more transcripts); c.895+10C>T (NM_001388396.1, NM_014308.4); c.-326+10C>T (NM_001251851.2).
Identifiers: ClinVar variation 3047549 (VCV003047549.2), dbSNP rs150063233, ClinGen allele CA8380674.
Genomic context (GRCh38, chr17:8,889,129, plus strand): 5'-TGGACCCAGGACCAGAAACACAGCTCAGGCAGTGTGGGGCATGGGTGTCACCAGGGCCCC[G>A]GCTCCTTACCAAAGCTGTCCTGGCTCCAGCTGTAGGTGTAGCACCTGGCGACAGGGATGG-3'